The following is an entry in ClinVar:

NC_000012.12:g.121641282T>C

Gene: ORAI1 (ORAI calcium release-activated calcium modulator 1; plus strand). Cytogenetic location: 12q24.31.
Variant type: single nucleotide variant.
Molecular consequence: non-coding transcript variant (on NR_186857.1).
Genome position: GRCh38 VCF-style: chr12-121641282-T-C. GRCh37 (hg19) VCF-style: chr12-122079188-T-C.
Identifiers: ClinVar variation 4790955 (VCV004790955.1).

ClinVar aggregate classification (germline): Uncertain significance (1 of 4 stars; one submission).

Conditions:
Combined immunodeficiency due to ORAI1 deficiency. Also called: IMMUNODEFICIENCY 9. Identifiers: Orphanet 169090, Orphanet 317428, MedGen C2748568, MONDO:0013007, OMIM 612782.
Myopathy, tubular aggregate, 2 (TAM2). Identifiers: MedGen C4014557, MONDO:0014383, OMIM 615883.

Submission:

Labcorp Genetics (formerly Invitae), Labcorp
Classification: Uncertain significance for Myopathy, tubular aggregate, 2; Combined immunodeficiency due to ORAI1 deficiency. Last evaluated: 2025-04-17. Review status: criteria provided, single submitter. Criteria: Invitae Variant Classification Sherloc (09022015). Collection method: clinical testing. Allele origin: germline.
Comment: This sequence change replaces isoleucine, which is neutral and non-polar, with threonine, which is neutral and polar, at codon 182 of the ORAI1 protein (p.Ile182Thr). This variant is present in population databases (rs782193559, gnomAD 0.003%). This variant has not been reported in the literature in individuals affected with ORAI1-related conditions. Experimental studies and prediction algorithms are not available or were not evaluated, and the functional significance of this variant is currently unknown. In summary, the available evidence is currently insufficient to determine the role of this variant in disease. Therefore, it has been classified as a Variant of Uncertain Significance.